The following is an entry in ClinVar:

ClinVar aggregate classification (germline): Conflicting classifications of pathogenicity. Review status: criteria provided, conflicting classifications (1 of 4 stars). 2 submissions from 2 submitters: Likely pathogenic (1); Uncertain significance (1). Last evaluated 2026-09-14.

Conditions:
SLC26A4-related disorder. Also called: SLC26A4-related condition; SLC26A4-related disorders.

Allele frequency attached by ClinVar (database versions not stated): gnomAD exomes 0.00002.
gnomAD v4.1: 24 of 1,614,134 alleles (0.0015%); highest among the groups gnomAD compares: Non-Finnish European, 0.0019%; no homozygotes.

Submissions (2):

PreventionGenetics, part of Exact Sciences
Classification: Uncertain significance for SLC26A4-related condition. Last evaluated: 2026-09-14. Review status: criteria provided, single submitter. Criteria: ACMG Guidelines, 2015. Collection method: clinical testing. Allele origin: germline.
Comment: The SLC26A4 c.1976T>C variant is predicted to result in the amino acid substitution p.Val659Ala. To our knowledge, this variant has not been reported in the literature. Alternative substitutions at the same amino acid position (p.Val659Leu, p.Val659Gly) have been reported in patients with hearing loss and nonsyndromic enlargement of the vestibular aqueduct (Liu et al. 2020. PubMed ID: 32645618, Tian et al. 2021. PubMed ID: 34170635; Zhao et al. 2014. PubMed ID: 25372295). This variant is reported in 0.011% of alleles in individuals of African descent in gnomAD. Although we suspect that this variant may be pathogenic, at this time, the clinical significance of this variant is uncertain due to the absence of conclusive functional and genetic evidence.

GeneDx
Classification: Likely pathogenic. Last evaluated: 2025-12-10. Review status: criteria provided, single submitter. Criteria: GeneDx Variant Classification Process June 2021. Collection method: clinical testing. Allele origin: germline.
Comment: In silico analysis supports that this missense variant has a deleterious effect on protein structure/function; Has not been previously published as pathogenic or benign to our knowledge

NM_000441.2(SLC26A4):c.1976T>C (p.Val659Ala)

Gene: SLC26A4 (solute carrier family 26 member 4; plus strand). Cytogenetic location: 7q22.3.
Variant type: single nucleotide variant.
Coding change: c.1976T>C on transcript NM_000441.2 (MANE Select); coding-DNA position 1976, T replaced by C.
Protein change: p.Val659Ala; replaces valine 659 with alanine.
Molecular consequence: missense variant.
Genome position (GRCh38, 1-based): chr7:107,701,999, T>C. VCF-style: chr7-107701999-T-C. GRCh37 (hg19) VCF-style: chr7-107342444-T-C.
Other names: short protein forms V659A.
Identifiers: ClinVar variation 1712678 (VCV001712678.4), dbSNP rs1380315814, ClinGen allele CA368843754.